The following is an entry in ClinVar:

NM_003480.4(MFAP5):c.139+29T>C

Gene: MFAP5 (microfibril associated protein 5; minus strand). Cytogenetic location: 12p13.31.
Variant type: single nucleotide variant.
Coding change: c.139+29T>C on transcript NM_003480.4 (MANE Select); 29 bases into the intron after coding-DNA position 139, T replaced by C.
Molecular consequence: intron variant.
Genome position (GRCh38, 1-based): chr12:8,655,757, A>G on the plus strand (T>C on the coding strand, the complement: MFAP5 is on the minus strand). VCF-style: chr12-8655757-A-G. GRCh37 (hg19) VCF-style: chr12-8808353-A-G.
Other names: c.103+29T>C (NM_001297710.2); c.139+29T>C (NM_001297711.2, NM_001297712.2, NM_001297709.2).
Identifiers: ClinVar variation 676402 (VCV000676402.2), dbSNP rs73244411, ClinGen allele CA6434730.
Genomic context (GRCh38, chr12:8,655,757, plus strand): 5'-GAAGTCTTTATTTTTCTTTATGTAGACATGATCCTTTATCTATCCCCAATAAAACAGCAA[A>G]CAAACAAACAAACAAAAGTGTAGCTTACTAGGATCTTCTGTGAATGTTTCTGGAGTCGCT-3'

ClinVar aggregate classification (germline): Likely benign. Review status: criteria provided, multiple submitters, no conflicts (2 of 4 stars). 2 submissions from 2 submitters: Likely benign (2). Last evaluated 2018-06-14.

Allele frequency attached by ClinVar (database versions not stated): gnomAD exomes 0.00491; ExAC 0.00563; gnomAD 0.01350 and 0.01406; TOPMed 0.01433; ESP Exome Variant Server 0.01438; 1000 Genomes Project 0.01617.
gnomAD v4.1: 5,135 of 1,596,166 alleles (0.32%); highest among the groups gnomAD compares: African/African-American, 4.3%; 86 homozygotes.

Submissions (2):

GeneDx
Classification: Likely benign. Last evaluated: 2018-06-14. Review status: criteria provided, single submitter. Criteria: GeneDx Variant Classification (06012015). Collection method: clinical testing. Allele origin: germline. Affected: yes.
Comment: This variant is considered likely benign or benign based on one or more of the following criteria: it is a conservative change, it occurs at a poorly conserved position in the protein, it is predicted to be benign by multiple in silico algorithms, and/or has population frequency not consistent with disease.

Breakthrough Genomics
Classification: Likely benign. Review status: criteria provided, single submitter. Criteria: ACMG Guidelines, 2015. Collection method: not provided. Allele origin: germline. Inheritance: Autosomal dominant inheritance. Affected: yes.